The following is an entry in ClinVar:

ClinVar aggregate classification (germline): Likely benign (0 of 4 stars; one submission).

Conditions:
SLC51A-related disorder. Also called: SLC51A-related condition.

Allele frequency attached by ClinVar (database versions not stated): 1000 Genomes Project 30x 0.00062; 1000 Genomes Project 0.00080; ESP Exome Variant Server 0.00092; gnomAD 0.00119; TOPMed 0.00120; ExAC 0.00143; gnomAD exomes 0.00172.
gnomAD v4.1: 2,683 of 1,599,694 alleles (0.17%); highest among the groups gnomAD compares: South Asian, 0.37%; 6 homozygotes.

Submission:

PreventionGenetics, part of Exact Sciences
Classification: Likely benign for SLC51A-related condition. Last evaluated: 2021-04-14. Review status: no assertion criteria provided. Collection method: clinical testing. Allele origin: germline.
Comment: This variant is classified as likely benign based on ACMG/AMP sequence variant interpretation guidelines (Richards et al. 2015 PMID: 25741868, with internal and published modifications).

NM_152672.6(SLC51A):c.633+8G>A

Gene: SLC51A (solute carrier family 51 member A; plus strand). Cytogenetic location: 3q29.
Variant type: single nucleotide variant.
Coding change: c.633+8G>A on transcript NM_152672.6 (MANE Select); 8 bases into the intron after coding-DNA position 633, G replaced by A.
Molecular consequence: intron variant.
Genome position (GRCh38, 1-based): chr3:196,228,928, G>A. VCF-style: chr3-196228928-G-A. GRCh37 (hg19) VCF-style: chr3-195955799-G-A.
Identifiers: ClinVar variation 3037753 (VCV003037753.2), dbSNP rs192475271, ClinGen allele CA2779158.